The following is an entry in ClinVar:

ClinVar aggregate classification (germline): Uncertain significance (1 of 4 stars; one submission).

Conditions:
Nemaline myopathy 10 (NEM10). Identifiers: MedGen C4015360, MONDO:0014513, OMIM 616165.

Submission:

Labcorp Genetics (formerly Invitae), Labcorp
Classification: Uncertain significance for Nemaline myopathy 10. Last evaluated: 2019-09-09. Review status: criteria provided, single submitter. Criteria: Invitae Variant Classification Sherloc (09022015). Collection method: clinical testing. Allele origin: germline.
Comment: This sequence change results in a frameshift in the LMOD3 gene (p.Leu559Argfs*9). While this is not anticipated to result in nonsense mediated decay, it is expected to disrupt the last 2 amino acids of the LMOD3 protein and extend the protein by an additional 6 amino acids. This variant is not present in population databases (ExAC no frequency). This variant has not been reported in the literature in individuals with LMOD3-related conditions. In summary, the available evidence is currently insufficient to determine the role of this variant in disease. Therefore, it has been classified as a Variant of Uncertain Significance.

NM_198271.5(LMOD3):c.1676_1677del (p.Leu559fs)

Gene: LMOD3 (leiomodin 3; minus strand). Cytogenetic location: 3p14.1.
Variant type: Deletion.
Coding change: c.1676_1677del on transcript NM_198271.5 (MANE Select); coding-DNA positions 1676 to 1677, 2 bases deleted (TG; older notation c.1676_1677delTG).
Protein change: p.Leu559fs; shifts the reading frame from leucine 559.
Molecular consequence: frameshift variant.
Genome position (GRCh38, 1-based): chr3:69,109,101-69,109,102, CA deleted on the plus strand (TG on the coding strand, the reverse complement: LMOD3 is on the minus strand). VCF-style (leftmost placement, unchanged base first): chr3-69109100-CCA-C. GRCh37 (hg19) VCF-style: chr3-69158251-CCA-C.
Other names: c.1676_1677del, p.Leu559fs (NM_001304418.3); short protein forms L559fs.
Identifiers: ClinVar variation 940325 (VCV000940325.2), dbSNP rs2092336582, ClinGen allele CA1139658149.